The following is an entry in ClinVar:

ClinVar aggregate classification (germline): Uncertain significance (1 of 4 stars; one submission).

gnomAD v4.1: 16 of 1,614,112 alleles (0.00099%); highest among the groups gnomAD compares: South Asian, 0.0022%; no homozygotes.

Submission:

GeneDx
Classification: Uncertain significance. Last evaluated: 2024-10-23. Review status: criteria provided, single submitter. Criteria: GeneDx Variant Classification Process June 2021. Collection method: clinical testing. Allele origin: germline. Affected: yes.
Comment: Not observed at significant frequency in large population cohorts (gnomAD); In silico analysis supports that this missense variant has a deleterious effect on protein structure/function; Has not been previously published as pathogenic or benign to our knowledge

NM_194248.3(OTOF):c.4673C>T (p.Thr1558Met)

Gene: OTOF (otoferlin; minus strand). Cytogenetic location: 2p23.3.
Variant type: single nucleotide variant.
Coding change: c.4673C>T on transcript NM_194248.3 (MANE Select); coding-DNA position 4673, C replaced by T.
Protein change: p.Thr1558Met; replaces threonine 1558 with methionine.
Molecular consequence: missense variant.
Genome position (GRCh38, 1-based): chr2:26,465,798, G>A on the plus strand (C>T on the coding strand, the complement: OTOF is on the minus strand). VCF-style: chr2-26465798-G-A. GRCh37 (hg19) VCF-style: chr2-26688666-G-A.
Other names: c.4673C>T, p.Thr1558Met (NM_001287489.2); c.2372C>T, p.Thr791Met (NM_004802.4, NM_194323.3); c.2603C>T, p.Thr868Met (NM_194322.3); short protein forms T1558M, T791M, T868M.
Identifiers: ClinVar variation 3893435 (VCV003893435.1).